The following is an entry in ClinVar:

NM_015409.5(EP400):c.8494C>G (p.Pro2832Ala)

Gene: EP400 (E1A binding protein p400; plus strand). Cytogenetic location: 12q24.33.
Variant type: single nucleotide variant.
Coding change: c.8494C>G on transcript NM_015409.5 (MANE Select); coding-DNA position 8494, C replaced by G.
Protein change: p.Pro2832Ala; replaces proline 2832 with alanine.
Molecular consequence: missense variant.
Genome position (GRCh38, 1-based): chr12:132,064,827, C>G. VCF-style: chr12-132064827-C-G. GRCh37 (hg19) VCF-style: chr12-132549372-C-G.
Other names: short protein forms P2832A.
Identifiers: ClinVar variation 4982744 (VCV004982744.1).

ClinVar aggregate classification (germline): Uncertain significance (1 of 4 stars; one submission).

Conditions:
EP400-related disorder. Also called: EP400-related condition.

Submission:

PreventionGenetics, part of Exact Sciences
Classification: Uncertain significance for EP400-related condition. Last evaluated: 2025-12-05. Review status: criteria provided, single submitter. Criteria: ACMG Guidelines, 2015. Collection method: clinical testing. Allele origin: germline.
Comment: The EP400 c.8494C>G variant is predicted to result in the amino acid substitution p.Pro2832Ala. To our knowledge, this variant has not been reported in the literature or in a large population database (gnomAD), indicating this variant is rare. At this time, the clinical significance of this variant is uncertain due to the absence of conclusive functional and genetic evidence.